The following is an entry in ClinVar:

NM_000264.5(PTCH1):c.2870del (p.Pro957fs)

Gene: PTCH1 (patched 1; minus strand). Cytogenetic location: 9q22.32.
Variant type: Deletion.
Coding change: c.2870del on transcript NM_000264.5 (MANE Select); coding-DNA position 2870, one base deleted (C; older notation c.2870delC).
Protein change: p.Pro957fs; shifts the reading frame from proline 957.
Molecular consequence: frameshift variant. On other transcripts: non-coding transcript variant (1).
Genome position (GRCh38, 1-based): chr9:95,459,617, G deleted on the plus strand (C on the coding strand, the reverse complement: PTCH1 is on the minus strand); the first of 2 consecutive G bases (chr9:95,459,617-95,459,618); deleting either gives the same sequence. VCF-style (leftmost placement, unchanged base first): chr9-95459616-AG-A. GRCh37 (hg19) VCF-style: chr9-98221898-AG-A.
Other names: c.2672del, p.Pro891fs (NM_001083602.3); c.2867del, p.Pro956fs (NM_001083603.3); c.2417del, p.Pro806fs (NM_001083604.3, NM_001083605.3, NM_001083606.3 and 1 more transcripts); c.2714del, p.Pro905fs (NM_001354918.2); short protein forms P891fs, P905fs, P956fs, P957fs, P806fs.
Identifiers: ClinVar variation 2762897 (VCV002762897.3), dbSNP rs2538077953, ClinGen allele CA2697557893.

ClinVar aggregate classification (germline): Pathogenic (1 of 4 stars; one submission).

Conditions:
Gorlin syndrome. Also called: Nevoid Basal Cell Carcinoma Syndrome; Basal cell nevus syndrome. Identifiers: Orphanet 377, MedGen C0004779, MONDO:0007187.

Submission:

Labcorp Genetics (formerly Invitae), Labcorp
Classification: Pathogenic for Gorlin syndrome. Last evaluated: 2023-09-23. Review status: criteria provided, single submitter. Criteria: Invitae Variant Classification Sherloc (09022015). Collection method: clinical testing. Allele origin: germline.
Comment: For these reasons, this variant has been classified as Pathogenic. This variant has not been reported in the literature in individuals affected with PTCH1-related conditions. This variant is not present in population databases (gnomAD no frequency). This sequence change creates a premature translational stop signal (p.Pro957Leufs*5) in the PTCH1 gene. It is expected to result in an absent or disrupted protein product. Loss-of-function variants in PTCH1 are known to be pathogenic (PMID: 16301862, 16419085).

Literature cited by the submitters: PubMed 16301862; PubMed 16419085.